The following is an entry in ClinVar:

NM_005245.4(FAT1):c.6308T>C (p.Val2103Ala)

Gene: FAT1 (FAT atypical cadherin 1; minus strand). Cytogenetic location: 4q35.2.
Variant type: single nucleotide variant.
Coding change: c.6308T>C on transcript NM_005245.4 (MANE Select); coding-DNA position 6308, T replaced by C.
Protein change: p.Val2103Ala; replaces valine 2103 with alanine.
Molecular consequence: missense variant.
Genome position (GRCh38, 1-based): chr4:186,620,278, A>G on the plus strand (T>C on the coding strand, the complement: FAT1 is on the minus strand). VCF-style: chr4-186620278-A-G. GRCh37 (hg19) VCF-style: chr4-187541432-A-G.
Other names: short protein forms V2103A.
Identifiers: ClinVar variation 1700338 (VCV001700338.2), dbSNP rs1263340609, ClinGen allele CA358969022.
Genomic context (GRCh38, chr4:186,620,278, plus strand): 5'-TGTTCCTTGAGGTAGTAATGCACTTCCCCGTTTCTGCCACTGTCTCTGTCTACAGCAGTG[A>G]CATAGCGAATGACATGGCCCACCTCAGTGTCCACTTTAACAACGGCGTAGTAGGGAAGGT-3'
Protein context (NP_005236.2, residues 2093-2113): DTEVGHVIRY[Val2103Ala]TAVDRDSGRN

ClinVar aggregate classification (germline): Uncertain significance (1 of 4 stars; one submission).

Allele frequency attached by ClinVar (database versions not stated): gnomAD exomes below 0.00001.
gnomAD v4.1: 1 of 1,614,032 alleles (0.000062%); highest among the groups gnomAD compares: East Asian, 0.0022%; no homozygotes.

Submission:

GeneDx
Classification: Uncertain significance. Last evaluated: 2022-02-01. Review status: criteria provided, single submitter. Criteria: GeneDx Variant Classification Process June 2021. Collection method: clinical testing. Allele origin: germline. Affected: yes.
Comment: Not observed at significant frequency in large population cohorts (gnomAD); In silico analysis supports that this missense variant has a deleterious effect on protein structure/function; Has not been previously published as pathogenic or benign to our knowledge